The following is an entry in ClinVar:

ClinVar aggregate classification (germline): Benign/Likely benign. Review status: criteria provided, multiple submitters, no conflicts (2 of 4 stars). 6 submissions from 6 submitters: Benign (3); Likely benign (3). Last evaluated 2026-01-26.

Conditions:
Myopathy, proximal, and ophthalmoplegia (CMYO6). Also called: CONGENITAL MYOPATHY 6 WITH OPHTHALMOPLEGIA; MYOPATHY WITH CONGENITAL JOINT CONTRACTURES, OPHTHALMOPLEGIA, AND RIMMED VACUOLES; INCLUSION BODY MYOPATHY 3, AUTOSOMAL DOMINANT. Identifiers: Orphanet 363677, Orphanet 79091, MedGen C1854106, MONDO:0011577, OMIM 605637.

Allele frequency attached by ClinVar (database versions not stated): gnomAD exomes 0.00028 and 0.00078; 1000 Genomes Project 0.00240; ESP Exome Variant Server 0.00277; gnomAD 0.00290 and 0.00317; TOPMed 0.00321; ExAC 0.00101; 1000 Genomes Project 30x 0.00234.

Submissions (6):

Labcorp Genetics (formerly Invitae), Labcorp
Classification: Benign for Myopathy, proximal, and ophthalmoplegia. Last evaluated: 2026-01-26. Review status: criteria provided, single submitter. Criteria: Invitae Variant Classification Sherloc (09022015). Collection method: clinical testing. Allele origin: germline.

Mayo Clinic Laboratories, Mayo Clinic
Classification: Likely benign. Last evaluated: 2025-03-05. Review status: criteria provided, single submitter. Criteria: ACMG Guidelines, 2015. Collection method: clinical testing. Allele origin: germline. Observed: 4 variant alleles.

Blueprint Genetics
Classification: Likely benign. Last evaluated: 2024-10-18. Review status: criteria provided, single submitter. Criteria: ACMG Guidelines, 2015. Collection method: clinical testing. Allele origin: germline.

GeneDx
Classification: Likely benign. Last evaluated: 2021-06-14. Review status: criteria provided, single submitter. Criteria: GeneDx Variant Classification Process June 2021. Collection method: clinical testing. Allele origin: germline. Affected: yes.

Illumina Laboratory Services, Illumina
Classification: Benign for Myopathy, proximal, and ophthalmoplegia. Last evaluated: 2018-01-13. Review status: criteria provided, single submitter. Criteria: ICSL Variant Classification Criteria 13 December 2019. Collection method: clinical testing. Allele origin: germline.
Comment: This variant was observed in the ICSL laboratory as part of a predisposition screen in an ostensibly healthy population. It had not been previously curated by ICSL or reported in the Human Gene Mutation Database (HGMD: prior to June 1st, 2018), and was therefore a candidate for classification through an automated scoring system. Utilizing variant allele frequency, disease prevalence and penetrance estimates, and inheritance mode, an automated score was calculated to assess if this variant is too frequent to cause the disease. Based on the score and internal cut-off values, a variant classified as benign is not then subjected to further curation. The score for this variant resulted in a classification of benign for this disease.

Eurofins Ntd Llc (ga)
Classification: Benign. Last evaluated: 2015-02-12. Review status: criteria provided, single submitter. Criteria: EGL Classification Definitions 2015. Collection method: clinical testing. Allele origin: germline. Observed: 1 variant allele, 1 heterozygote.

NM_017534.6(MYH2):c.2295G>A (p.Gly765=)

Genes: MYHAS (myosin heavy chain gene cluster antisense RNA; plus strand), MYH2 (myosin heavy chain 2; minus strand). Cytogenetic location: 17p13.1.
Variant type: single nucleotide variant.
Coding change: c.2295G>A on transcript NM_017534.6 (MANE Select); coding-DNA position 2295, G replaced by A.
Protein change: p.Gly765=; no amino-acid change (glycine 765 retained).
Molecular consequence: synonymous variant.
Genome position (GRCh38, 1-based): chr17:10,533,518, C>T on the plus strand (G>A on the coding strand, the complement: MYH2 is on the minus strand). VCF-style: chr17-10533518-C-T. GRCh37 (hg19) VCF-style: chr17-10436835-C-T.
Other names: p.Gly765=; c.2295G>A, p.Gly765= (NM_001100112.2).
Identifiers: ClinVar variation 195516 (VCV000195516.29), dbSNP rs79757188, ClinGen allele CA201796.
Genomic context (GRCh38, chr17:10,533,518, plus strand): 5'-TAAAGTTCAAAGGGACAGGAATAGCATCAGGTAGGATTTACAGAAAATTACCTTGGTGTG[C>T]CCAAATTTATACTGGGTGTGGTCAATGTCGATGGATGCAAGGAGCTTCTCAGAGGCCTTC-3'
Protein context (NP_060004.3, residues 755-775): IDIDHTQYKF[Gly765=]HTKVFFKAGL